The following is an entry in ClinVar:

ClinVar aggregate classification (germline): Pathogenic/Likely pathogenic. Review status: criteria provided, multiple submitters, no conflicts (2 of 4 stars). 3 submissions from 3 submitters: Pathogenic (1); Likely pathogenic (2). Last evaluated 2024-04-04.

Conditions:
Familial thoracic aortic aneurysm and aortic dissection (TAAD). Also called: Thoracic aortic aneurysms and dissections. Identifiers: Orphanet 91387, MedGen C4707243, MONDO:0019625.
Marfan syndrome (MFS). Also called: Marfan syndrome type 1; Marfan syndrome, classic; Marfan's syndrome; FBN1-Related Marfan Syndrome; MARFAN SYNDROME, TYPE I. Identifiers: Orphanet 284963, Orphanet 558, MedGen C0024796, MONDO:0007947, OMIM 154700.

Submissions (3):

GeneDx
Classification: Likely pathogenic. Last evaluated: 2024-04-04. Review status: criteria provided, single submitter. Criteria: GeneDx Variant Classification Process June 2021. Collection method: clinical testing. Allele origin: germline. Affected: yes.
Comment: Not observed at significant frequency in large population cohorts (gnomAD); Functional studies in 293-EBNA cells showed that this variant inhibited LTBP-1 binding (PMID: 20699357); In silico analysis supports that this missense variant has a deleterious effect on protein structure/function; Affects a cysteine residue within a calcium-binding EGF-like domain of the FBN1 gene, which may affect disulfide bonding and is predicted to alter the structure and function of the protein; cysteine substitutions in the calcium-binding EGF-like domains represent the majority of pathogenic missense changes associated with FBN1-related disorders (PMID: 12938084); This variant is associated with the following publications: (PMID: 12938084, 14695540, 20699357)

Labcorp Genetics (formerly Invitae), Labcorp
Classification: Pathogenic for Marfan syndrome; Familial thoracic aortic aneurysm and aortic dissection. Last evaluated: 2022-05-04. Review status: criteria provided, single submitter. Criteria: Invitae Variant Classification Sherloc (09022015). Collection method: clinical testing. Allele origin: germline.
Comment: This variant is not present in population databases (gnomAD no frequency). For these reasons, this variant has been classified as Pathogenic. This variant disrupts the p.Cys166 amino acid residue in FBN1. Other variant(s) that disrupt this residue have been observed in individuals with FBN1-related conditions (PMID: 7611299, 31098894), which suggests that this may be a clinically significant amino acid residue. This variant affects a cysteine residue in the EGF-like, TGFBP or hybrid motif domains of FBN1. Cysteine residues are believed to be involved in intramolecular disulfide bridges and have been shown to be important for FBN1 protein structure (PMID: 16905551, 19349279). In addition, missense substitutions affecting cysteine residues within these domains are significantly overrepresented among patients with Marfan syndrome (PMID: 16571647, 17701892). Algorithms developed to predict the effect of sequence changes on RNA splicing suggest that this variant may create or strengthen a splice site. Advanced modeling of protein sequence and biophysical properties (such as structural, functional, and spatial information, amino acid conservation, physicochemical variation, residue mobility, and thermodynamic stability) performed at Invitae indicates that this missense variant is expected to disrupt FBN1 protein function. ClinVar contains an entry for this variant (Variation ID: 519737). This missense change has been observed in individual(s) with clinical features of Marfan syndrome (PMID: 14695540). This sequence change replaces cysteine, which is neutral and slightly polar, with serine, which is neutral and polar, at codon 166 of the FBN1 protein (p.Cys166Ser).

Ambry Genetics
Classification: Likely pathogenic for Familial thoracic aortic aneurysm and aortic dissection. Last evaluated: 2016-09-16. Review status: criteria provided, single submitter. Criteria: Ambry Variant Classification Scheme 2023. Collection method: clinical testing. Allele origin: germline.
Comment: The p.C166S variant (also known as c.496T>A), located in coding exon 5 of the FBN1 gene, results from a T to A substitution at nucleotide position 496. The cysteine at codon 166 is replaced by serine, an amino acid with dissimilar properties, and is located in the cb EGF-like #03 domain. This alteration was described in an individual with Marfan syndrome (Biggin A et al. Hum Mutat. 2004;23:99). In vitro studies indicated reduced binding of the mutant fragment to c-terminal LTBP-1, and thus suggesting that the alteration might affect fibrillin microfibril assembly (Massam-Wu T et al. J Cell Sci. 2010;123:3006-18). Internal structure analysis indicates that this alteration eliminates a structurally important disulfide motif (Yadin DA et al. Structure. 2013;21(10):1743-56). Furthermore, the majority of FBN1 mutations identified to date have involved the substitution or generation of cysteine residues within cbEGF domains (Vollbrandt T et al. J Biol Chem. 2004;279(31):32924-32931). This variant was not reported in population based cohorts in the following databases: Database of Single Nucleotide Polymorphisms (dbSNP), ExAC, NHLBI Exome Sequencing Project (ESP), and 1000 Genomes Project. In the ESP, this variant was not observed in 6493 samples (12986 alleles) with coverage at this position. This amino acid position is highly conserved in available vertebrate species, and is predicted to be probably damaging and deleterious by PolyPhen and SIFT in silico analyses, respectively. In addition, an alteration at the same amino acid position (p.C166F, c.497G>T) has also been reported in association with Marfan syndrome (Nijbroek G et al. Am J Hum Genet. 1995;57:8-21). Based on the majority of available evidence to date, this variant is likely to be pathogenic.

Literature cited by the submitters: PubMed 7611299 (cited by Labcorp Genetics (formerly Invitae), Labcorp and Ambry Genetics); PubMed 31098894 (cited by Labcorp Genetics (formerly Invitae), Labcorp); PubMed 16905551 (cited by Labcorp Genetics (formerly Invitae), Labcorp); PubMed 19349279 (cited by Labcorp Genetics (formerly Invitae), Labcorp); PubMed 16571647 (cited by Labcorp Genetics (formerly Invitae), Labcorp); PubMed 17701892 (cited by Labcorp Genetics (formerly Invitae), Labcorp); PubMed 14695540 (cited by Labcorp Genetics (formerly Invitae), Labcorp and Ambry Genetics); PubMed 20699357 (cited by Ambry Genetics); PubMed 9016526 (cited by Ambry Genetics).

NM_000138.5(FBN1):c.496T>A (p.Cys166Ser)

Gene: FBN1 (fibrillin 1; minus strand). Cytogenetic location: 15q21.1.
Variant type: single nucleotide variant.
Coding change: c.496T>A on transcript NM_000138.5 (MANE Select); coding-DNA position 496, T replaced by A.
Protein change: p.Cys166Ser; replaces cysteine 166 with serine.
Molecular consequence: missense variant.
Genome position (GRCh38, 1-based): chr15:48,596,325, A>T on the plus strand (T>A on the coding strand, the complement: FBN1 is on the minus strand). VCF-style: chr15-48596325-A-T. GRCh37 (hg19) VCF-style: chr15-48888522-A-T.
Other names: short protein forms C166S.
Identifiers: ClinVar variation 519737 (VCV000519737.15), dbSNP rs363852, ClinGen allele CA392446313.